The following is an entry in ClinVar:

NM_024642.5(GALNT12):c.168G>C (p.Pro56=)

Gene: GALNT12 (polypeptide N-acetylgalactosaminyltransferase 12; plus strand). Cytogenetic location: 9q22.33.
Variant type: single nucleotide variant.
Coding change: c.168G>C on transcript NM_024642.5 (MANE Select); coding-DNA position 168, G replaced by C.
Protein change: p.Pro56=; no amino-acid change (proline 56 retained).
Molecular consequence: synonymous variant.
Genome position (GRCh38, 1-based): chr9:98,807,866, G>C. VCF-style: chr9-98807866-G-C. GRCh37 (hg19) VCF-style: chr9-101570148-G-C.
Identifiers: ClinVar variation 3280564 (VCV003280564.2).

ClinVar aggregate classification (germline): Benign/Likely benign. Review status: criteria provided, multiple submitters, no conflicts (2 of 4 stars). 2 submissions from 2 submitters: Benign (1); Likely benign (1). Last evaluated 2026-04-22.

Conditions:
Colorectal cancer, susceptibility to, 1. Also called: COLORECTAL ADENOMA AND CANCER, SUSCEPTIBILITY TO; COLORECTAL CANCER, SUSCEPTIBILITY TO, ON CHROMOSOME 9. Identifiers: MedGen C1837315, MONDO:0012132, OMIM 608812.

Submissions (2):

Myriad Genetics, Inc.
Classification: Benign for Colorectal cancer, susceptibility to, 1. Last evaluated: 2026-04-22. Review status: criteria provided, single submitter. Criteria: Myriad Autosomal Dominant, Autosomal Recessive and X-Linked Classification Criteria (2023). Collection method: clinical testing. Allele origin: unknown.
Comment: This variant is considered benign. This variant is a silent/synonymous amino acid change and it is not expected to impact splicing.

Ambry Genetics
Classification: Likely benign. Last evaluated: 2024-03-24. Review status: criteria provided, single submitter. Criteria: Ambry Variant Classification Scheme 2023. Collection method: clinical testing. Allele origin: germline.